The following is an entry in ClinVar:

NM_000498.3(CYP11B2):c.104T>G (p.Val35Gly)

Genes: CYP11B2 (cytochrome P450 family 11 subfamily B member 2; minus strand), LOC106799834 (CYP11B2 recombination region; plus strand). Cytogenetic location: 8q24.3.
Variant type: single nucleotide variant.
Coding change: c.104T>G on transcript NM_000498.3 (MANE Select); coding-DNA position 104, T replaced by G.
Protein change: p.Val35Gly; replaces valine 35 with glycine.
Molecular consequence: missense variant.
Genome position (GRCh38, 1-based): chr8:142,917,737, A>C on the plus strand (T>G on the coding strand, the complement: CYP11B2 is on the minus strand). VCF-style: chr8-142917737-A-C. GRCh37 (hg19) VCF-style: chr8-143999153-A-C.
Other names: short protein forms V35G.
Identifiers: ClinVar variation 3689127 (VCV003689127.2).

ClinVar aggregate classification (germline): Uncertain significance (1 of 4 stars; one submission).

Submission:

Labcorp Genetics (formerly Invitae), Labcorp
Classification: Uncertain significance. Last evaluated: 2024-04-09. Review status: criteria provided, single submitter. Criteria: Invitae Variant Classification Sherloc (09022015). Collection method: clinical testing. Allele origin: germline.
Comment: This sequence change replaces valine, which is neutral and non-polar, with glycine, which is neutral and non-polar, at codon 35 of the CYP11B2 protein (p.Val35Gly). This variant is not present in population databases (gnomAD no frequency). This variant has not been reported in the literature in individuals affected with CYP11B2-related conditions. Advanced modeling of protein sequence and biophysical properties (such as structural, functional, and spatial information, amino acid conservation, physicochemical variation, residue mobility, and thermodynamic stability) performed at Invitae indicates that this missense variant is not expected to disrupt CYP11B2 protein function with a negative predictive value of 95%. In summary, the available evidence is currently insufficient to determine the role of this variant in disease. Therefore, it has been classified as a Variant of Uncertain Significance.